The following is an entry in ClinVar:

ClinVar aggregate classification (germline): Uncertain significance (1 of 4 stars; one submission).

Conditions:
Dilated cardiomyopathy 1G (CMD1G). Identifiers: Orphanet 154, MedGen C1858763, MONDO:0011400, OMIM 604145.
Autosomal recessive limb-girdle muscular dystrophy type 2J (LGMDR10). Also called: Limb-girdle muscular dystrophy, type 2J; MUSCULAR DYSTROPHY, LIMB-GIRDLE, AUTOSOMAL RECESSIVE 10. Identifiers: Orphanet 140922, MedGen C1837342, MONDO:0012127, OMIM 608807.

Submission:

Labcorp Genetics (formerly Invitae), Labcorp
Classification: Uncertain significance for Dilated cardiomyopathy 1G; Autosomal recessive limb-girdle muscular dystrophy type 2J. Last evaluated: 2022-11-15. Review status: criteria provided, single submitter. Criteria: Invitae Variant Classification Sherloc (09022015). Collection method: clinical testing. Allele origin: germline.
Comment: This variant has not been reported in the literature in individuals affected with TTN-related conditions. This variant is located in the I band of TTN (PMID: 25589632). Truncating variants in this region have been shown to be highly prevalent in the general population and unaffected individuals (PMID: 26701604, 22335739). However, truncating variants in this region have also been reported in individuals affected with autosomal recessive centronuclear myopathy (PMID: 23975875). In summary, the available evidence is currently insufficient to determine the role of this variant in disease. Therefore, it has been classified as a Variant of Uncertain Significance. Algorithms developed to predict the effect of sequence changes on RNA splicing suggest that this variant may disrupt the consensus splice site. This variant is not present in population databases (gnomAD no frequency). This sequence change affects an acceptor splice site in intron 197 of the TTN gene. It is expected to disrupt RNA splicing and likely results in a truncated or disrupted TTN protein.

Literature cited by the submitters: PubMed 25589632; PubMed 26701604; PubMed 22335739; PubMed 23975875.

NM_001267550.2(TTN):c.38708-2A>C

Gene: TTN (titin; minus strand). Cytogenetic location: 2q31.2.
Variant type: single nucleotide variant.
Coding change: c.38708-2A>C on transcript NM_001267550.2 (MANE Select); the canonical splice acceptor site of the intron before coding-DNA position 38708, A replaced by C.
Molecular consequence: splice acceptor variant. On other transcripts: intron variant (5).
Genome position (GRCh38, 1-based): chr2:178,653,323, T>G on the plus strand (A>C on the coding strand, the complement: TTN is on the minus strand). VCF-style: chr2-178653323-T-G. GRCh37 (hg19) VCF-style: chr2-179518050-T-G.
Other names: c.13283-11006A>C (NM_003319.4); c.13859-11006A>C (NM_133437.4); c.13658-11006A>C (NM_133432.3); c.31742-782A>C (NM_133378.4); c.34523-782A>C (NM_001256850.1).
Identifiers: ClinVar variation 2941567 (VCV002941567.3), dbSNP rs2472500114, ClinGen allele CA349468454.
Genomic context (GRCh38, chr2:178,653,323, plus strand): 5'-TTTAGGAGGAGCCAAGGGCACTTTCTTTTCAAGGACAACTTCTTTGGGAGCCTCTGGCAC[T>G]TAAAAGATATTAGTAAAGTTACATGTAGAGCTATGGAGACTACTAGCAAAATATACAGCA-3'